The following is an entry in ClinVar:

ClinVar aggregate classification (germline): Likely benign (1 of 4 stars; one submission).

Conditions:
Oroticaciduria. Also called: Orotic aciduria. Identifiers: Orphanet 30, MedGen C0268128, HP:0003218.

Allele frequency attached by ClinVar (database versions not stated): ExAC 0.00009; gnomAD exomes 0.00018 and 0.00012; 1000 Genomes Project 30x 0.00078; 1000 Genomes Project 0.00060; gnomAD 0.00064 and 0.00070; TOPMed 0.00075.
gnomAD v4.1: 136 of 454,088 alleles (0.03%); highest among the groups gnomAD compares: African/African-American, 0.22%; no homozygotes.

Submission:

Illumina Laboratory Services, Illumina
Classification: Likely benign for Hereditary orotic aciduria. Last evaluated: 2018-01-12. Review status: criteria provided, single submitter. Criteria: ICSL Variant Classification Criteria 13 December 2019. Collection method: clinical testing. Allele origin: germline.
Comment: This variant was observed in the ICSL laboratory as part of a predisposition screen in an ostensibly healthy population. It had not been previously curated by ICSL or reported in the Human Gene Mutation Database (HGMD: prior to June 1st, 2018), and was therefore a candidate for classification through an automated scoring system. Utilizing variant allele frequency, disease prevalence and penetrance estimates, and inheritance mode, an automated score was calculated to assess if this variant is too frequent to cause the disease. Based on the score and internal cut-off values, a variant classified as likely benign is not then subjected to further curation. The score for this variant resulted in a classification of likely benign for this disease.

NM_000373.4(UMPS):c.*1155T>C

Gene: UMPS (uridine monophosphate synthetase; plus strand). Cytogenetic location: 3q21.2.
Variant type: single nucleotide variant.
Coding change: c.*1155T>C on transcript NM_000373.4 (MANE Select); 1155 bases downstream of the stop codon, T replaced by C.
Molecular consequence: 3 prime UTR variant. On other transcripts: non-coding transcript variant (2).
Genome position (GRCh38, 1-based): chr3:124,745,239, T>C. VCF-style: chr3-124745239-T-C. GRCh37 (hg19) VCF-style: chr3-124464086-T-C.
Identifiers: ClinVar variation 342952 (VCV000342952.5), dbSNP rs112368493, ClinGen allele CA2581970.